The following is an entry in ClinVar:

ClinVar aggregate classification (germline): Uncertain significance (1 of 4 stars; one submission).

Submission:

Ambry Genetics
Classification: Uncertain significance. Last evaluated: 2022-07-07. Review status: criteria provided, single submitter. Criteria: Ambry Variant Classification Scheme 2023. Collection method: clinical testing. Allele origin: germline.
Comment: The p.R1226K variant (also known as c.3677G>A), located in coding exon 4 of the ALPK2 gene, results from a G to A substitution at nucleotide position 3677. The arginine at codon 1226 is replaced by lysine, an amino acid with highly similar properties. This amino acid position is conserved. In addition, this alteration is predicted to be tolerated by in silico analysis. Since supporting evidence is limited at this time, the clinical significance of this alteration remains unclear.

NM_052947.4(ALPK2):c.3677G>A (p.Arg1226Lys)

Genes: ALPK2 (alpha kinase 2; minus strand), LOC126862764 (BRD4-independent group 4 enhancer GRCh37_chr18:56202574-56203773; plus strand). Cytogenetic location: 18q21.31.
Variant type: single nucleotide variant.
Coding change: c.3677G>A on transcript NM_052947.4 (MANE Select); coding-DNA position 3677, G replaced by A.
Protein change: p.Arg1226Lys; replaces arginine 1226 with lysine.
Molecular consequence: missense variant.
Genome position (GRCh38, 1-based): chr18:58,536,510, C>T on the plus strand (G>A on the coding strand, the complement: ALPK2 is on the minus strand). VCF-style: chr18-58536510-C-T. GRCh37 (hg19) VCF-style: chr18-56203742-C-T.
Other names: short protein forms R1226K.
Identifiers: ClinVar variation 1733843 (VCV001733843.2), dbSNP rs2518876141, ClinGen allele CA402566103.
Genomic context (GRCh38, chr18:58,536,510, plus strand): 5'-GAAGCGGAAGCCTCTAGAGTTATAATCTTCAGCTTGTTGCCTGCCTCCCAATTTCCAGGT[C>T]TATATTCTTTAGACTCTTCCAAAAGGATATCAGAGAGAGATGGAACGTTGCTCAGAGCCT-3'
Protein context (NP_443179.3, residues 1216-1236): DILLEESKEY[Arg1226Lys]PGNWEAGNKL